The following is an entry in ClinVar:

ClinVar aggregate classification (germline): Uncertain significance (1 of 4 stars; one submission).

gnomAD v4.1: 6 of 1,339,428 alleles (0.00045%); highest among the groups gnomAD compares: South Asian, 0.008%; no homozygotes.

Submission:

Labcorp Genetics (formerly Invitae), Labcorp
Classification: Uncertain significance. Last evaluated: 2023-07-07. Review status: criteria provided, single submitter. Criteria: Invitae Variant Classification Sherloc (09022015). Collection method: clinical testing. Allele origin: germline.
Comment: This variant has not been reported in the literature in individuals affected with BRD4-related conditions. Advanced modeling of protein sequence and biophysical properties (such as structural, functional, and spatial information, amino acid conservation, physicochemical variation, residue mobility, and thermodynamic stability) performed at Invitae indicates that this missense variant is not expected to disrupt BRD4 protein function. In summary, the available evidence is currently insufficient to determine the role of this variant in disease. Therefore, it has been classified as a Variant of Uncertain Significance. This sequence change replaces valine, which is neutral and non-polar, with leucine, which is neutral and non-polar, at codon 268 of the BRD4 protein (p.Val268Leu). The frequency data for this variant in the population databases is considered unreliable, as metrics indicate poor data quality at this position in the gnomAD database.

NM_001379291.1(BRD4):c.802G>T (p.Val268Leu)

Gene: BRD4 (bromodomain containing 4; minus strand). Cytogenetic location: 19p13.12.
Variant type: single nucleotide variant.
Coding change: c.802G>T on transcript NM_001379291.1 (MANE Select); coding-DNA position 802, G replaced by T.
Protein change: p.Val268Leu; replaces valine 268 with leucine.
Molecular consequence: missense variant.
Genome position (GRCh38, 1-based): chr19:15,265,401, C>A on the plus strand (G>T on the coding strand, the complement: BRD4 is on the minus strand). VCF-style: chr19-15265401-C-A. GRCh37 (hg19) VCF-style: chr19-15376212-C-A.
Other names: c.802G>T, p.Val268Leu (NM_001330384.2, NM_001379292.1, NM_014299.3 and 1 more transcripts); short protein forms V268L.
Identifiers: ClinVar variation 2881561 (VCV002881561.3), dbSNP rs551722840, ClinGen allele CA9265529.